The following is an entry in ClinVar:

ClinVar aggregate classification (germline): Uncertain significance (1 of 4 stars; one submission).

gnomAD v4.1: 6 of 1,613,606 alleles (0.00037%); highest among the groups gnomAD compares: Non-Finnish European, 0.00042%; no homozygotes.

Submission:

GeneDx
Classification: Uncertain significance. Last evaluated: 2020-01-28. Review status: criteria provided, single submitter. Criteria: GeneDx Variant Classification Process June 2021. Collection method: clinical testing. Allele origin: germline. Affected: yes.
Comment: Not observed in large population cohorts (Lek et al., 2016); In silico analysis, which includes protein predictors and evolutionary conservation, supports that this variant does not alter protein structure/function; Has not been previously published as pathogenic or benign to our knowledge

NM_012082.4(ZFPM2):c.2705G>A (p.Arg902Gln)

Genes: ZFPM2 (zinc finger protein, FOG family member 2; plus strand), ZFPM2-AS1 (ZFPM2 antisense RNA 1; minus strand), LOC126860469 (BRD4-independent group 4 enhancer GRCh37_chr8:106814445-106815644; plus strand). Cytogenetic location: 8q23.1.
Variant type: single nucleotide variant.
Coding change: c.2705G>A on transcript NM_012082.4 (MANE Select); coding-DNA position 2705, G replaced by A.
Protein change: p.Arg902Gln; replaces arginine 902 with glutamine.
Molecular consequence: missense variant.
Genome position (GRCh38, 1-based): chr8:105,802,787, G>A. VCF-style: chr8-105802787-G-A. GRCh37 (hg19) VCF-style: chr8-106815015-G-A.
Other names: c.2546G>A, p.Arg849Gln (NM_001362836.2); c.2309G>A, p.Arg770Gln (NM_001362837.2); short protein forms R770Q, R849Q, R902Q.
Identifiers: ClinVar variation 1318719 (VCV001318719.2), dbSNP rs1269566968, ClinGen allele CA371954837.